The following is an entry in ClinVar:

ClinVar aggregate classification (germline): Likely benign. Review status: criteria provided, multiple submitters, no conflicts (2 of 4 stars). 3 submissions from 3 submitters: Likely benign (3). Last evaluated 2026-08-01.

Conditions:
Hereditary cancer-predisposing syndrome. Also called: Neoplastic Syndromes, Hereditary; Hereditary neoplastic syndrome; Tumor predisposition; Hereditary Cancer Syndrome. Identifiers: Orphanet 140162, MedGen C0027672, MeSH D009386, MONDO:0015356.
EGFR-related lung cancer (EGFR). Identifiers: MedGen CN130014.

Allele frequency attached by ClinVar (database versions not stated): ExAC 0.00001; gnomAD exomes 0.00001 and 0.00002; TOPMed 0.00001; gnomAD 0.00005.
gnomAD v4.1: 19 of 1,614,058 alleles (0.0012%); highest among the groups gnomAD compares: African/African-American, 0.0093%; no homozygotes.

Submissions (3):

CeGaT Center for Human Genetics Tuebingen
Classification: Likely benign. Last evaluated: 2026-08-01. Review status: criteria provided, single submitter. Criteria: CeGaT Center For Human Genetics Tuebingen Variant Classification Criteria Version 2. Collection method: clinical testing. Allele origin: germline. Affected: yes. Observed: 1 variant allele.
Comment: EGFR: BP4, BP7

Labcorp Genetics (formerly Invitae), Labcorp
Classification: Likely benign for EGFR-related lung cancer. Last evaluated: 2025-08-07. Review status: criteria provided, single submitter. Criteria: Invitae Variant Classification Sherloc (09022015). Collection method: clinical testing. Allele origin: germline.

Ambry Genetics
Classification: Likely benign for Hereditary cancer-predisposing syndrome. Last evaluated: 2024-12-08. Review status: criteria provided, single submitter. Criteria: Ambry Variant Classification Scheme 2023. Collection method: clinical testing. Allele origin: germline.

NM_005228.5(EGFR):c.1761C>T (p.Asp587=)

Gene: EGFR (epidermal growth factor receptor; plus strand). Cytogenetic location: 7p11.2.
Variant type: single nucleotide variant.
Coding change: c.1761C>T on transcript NM_005228.5 (MANE Select); coding-DNA position 1761, C replaced by T.
Protein change: p.Asp587=; no amino-acid change (aspartic acid 587 retained).
Molecular consequence: synonymous variant.
Genome position (GRCh38, 1-based): chr7:55,165,318, C>T. VCF-style: chr7-55165318-C-T. GRCh37 (hg19) VCF-style: chr7-55233011-C-T.
Other names: c.1626C>T, p.Asp542= (NM_001346897.2, NM_001346899.2); c.1761C>T, p.Asp587= (NM_001346898.2, NM_201282.2, NM_201284.2); c.1602C>T, p.Asp534= (NM_001346900.2); c.960C>T, p.Asp320= (NM_001346941.2); c.1761C>T (NM_005228.3).
Identifiers: ClinVar variation 1090488 (VCV001090488.11), dbSNP rs766220964, ClinGen allele CA4265687.
Genomic context (GRCh38, chr7:55,165,318, plus strand): 5'-ATTTTTCTCCACCTTGGTGCAGGGACCAGACAACTGTATCCAGTGTGCCCACTACATTGA[C>T]GGCCCCCACTGCGTCAAGACCTGCCCGGCAGGAGTCATGGGAGAAAACAACACCCTGGTC-3'
Protein context (NP_005219.2, residues 577-597): DNCIQCAHYI[Asp587=]GPHCVKTCPA